The following is an entry in ClinVar:

NM_016457.5(PRKD2):c.410G>A (p.Arg137His)

Gene: PRKD2 (protein kinase D2; minus strand). Cytogenetic location: 19q13.32.
Variant type: single nucleotide variant.
Coding change: c.410G>A on transcript NM_016457.5 (MANE Select); coding-DNA position 410, G replaced by A.
Protein change: p.Arg137His; replaces arginine 137 with histidine.
Molecular consequence: missense variant. On other transcripts: 5 prime UTR variant (1).
Genome position (GRCh38, 1-based): chr19:46,711,008, C>T on the plus strand (G>A on the coding strand, the complement: PRKD2 is on the minus strand). VCF-style: chr19-46711008-C-T. GRCh37 (hg19) VCF-style: chr19-47214265-C-T.
Other names: c.410G>A, p.Arg137His (NM_001079880.2, NM_001079881.2); c.-62G>A (NM_001079882.2); short protein forms R137H.
Identifiers: ClinVar variation 4998174 (VCV004998174.1).
Genomic context (GRCh38, chr19:46,711,008, plus strand): 5'-TCCCCGCAGTGATCACAGAAGGCAGGCGCCCGATAGGAGTGCACCGTGAGGGCGTGCGGG[C>T]GGATCTGGAAGTCCTCGAAGGTGGCCGAGGCTGTAGGCGGAAAATAGGGGTGGATGCTTG-3'
Protein context (NP_057541.2, residues 127-147): ASATFEDFQI[Arg137His]PHALTVHSYR

ClinVar aggregate classification (germline): Uncertain significance (1 of 4 stars; one submission).

Conditions:
PRKD2-related disorder. Also called: PRKD2-related condition.

Submission:

PreventionGenetics, part of Exact Sciences
Classification: Uncertain significance for PRKD2-related condition. Last evaluated: 2026-01-08. Review status: criteria provided, single submitter. Criteria: ACMG Guidelines, 2015. Collection method: clinical testing. Allele origin: germline.
Comment: The PRKD2 c.410G>A variant is predicted to result in the amino acid substitution p.Arg137His. To our knowledge, this variant has not been reported in the literature or in a large population database (gnomAD), indicating this variant is rare. At this time, the clinical significance of this variant is uncertain due to the absence of conclusive functional and genetic evidence.